The following is an entry in ClinVar:

ClinVar aggregate classification (germline): Uncertain significance. Review status: criteria provided, multiple submitters, no conflicts (2 of 4 stars). 2 submissions from 2 submitters: Uncertain significance (2). Last evaluated 2023-11-27.

Conditions:
Hereditary cancer-predisposing syndrome. Also called: Tumor predisposition; Hereditary Cancer Syndrome; Hereditary neoplastic syndrome; Neoplastic Syndromes, Hereditary. Identifiers: Orphanet 140162, MedGen C0027672, MeSH D009386, MONDO:0015356.
Endometrial carcinoma. Also called: Endometrial carcinoma, somatic. Identifiers: MedGen C0476089, MONDO:0002447, OMIM 608089, HP:0012114.

Submissions (2):

Baylor Genetics
Classification: Uncertain significance for Endometrial carcinoma. Last evaluated: 2023-11-27. Review status: criteria provided, single submitter. Criteria: ACMG Guidelines, 2015. Collection method: clinical testing. Allele origin: unknown.

Ambry Genetics
Classification: Uncertain significance for Hereditary cancer-predisposing syndrome. Last evaluated: 2023-07-20. Review status: criteria provided, single submitter. Criteria: Ambry Variant Classification Scheme 2023. Collection method: clinical testing. Allele origin: germline.
Comment: The p.A1198S variant (also known as c.3592G>T), located in coding exon 7 of the MSH6 gene, results from a G to T substitution at nucleotide position 3592. The alanine at codon 1198 is replaced by serine, an amino acid with similar properties. This amino acid position is conserved. In addition, this alteration is predicted to be tolerated by in silico analysis. Since supporting evidence is limited at this time, the clinical significance of this alteration remains unclear.

NM_000179.3(MSH6):c.3592G>T (p.Ala1198Ser)

Gene: MSH6 (mutS homolog 6; plus strand). Cytogenetic location: 2p16.3.
Variant type: single nucleotide variant.
Coding change: c.3592G>T on transcript NM_000179.3 (MANE Select); coding-DNA position 3592, G replaced by T.
Protein change: p.Ala1198Ser; replaces alanine 1198 with serine.
Molecular consequence: missense variant. On other transcripts: non-coding transcript variant (5).
Genome position (GRCh38, 1-based): chr2:47,805,653, G>T. VCF-style: chr2-47805653-G-T. GRCh37 (hg19) VCF-style: chr2-48032792-G-T.
Other names: c.3202G>T, p.Ala1068Ser (NM_001281492.2); c.2686G>T, p.Ala896Ser (NM_001281493.2, NM_001281494.2, NM_001406811.1 and 6 more transcripts); c.3688G>T, p.Ala1230Ser (NM_001406795.1, NM_001406802.1); c.3592G>T, p.Ala1198Ser (NM_001406796.1, NM_001406800.1, NM_001406808.1 and 1 more transcripts); c.3295G>T, p.Ala1099Ser (NM_001406797.1, NM_001406801.1, NM_001406805.1 and 10 more transcripts); c.3418G>T, p.Ala1140Ser (NM_001406798.1); c.3067G>T, p.Ala1023Ser (NM_001406799.1, NM_001406806.1, NM_001406807.1); c.2728G>T, p.Ala910Ser (NM_001406803.1); and 7 more; short protein forms A125S, A1023S, A1068S, A1200S, A676S, A1142S, A1172S, A1198S.
Identifiers: ClinVar variation 2587333 (VCV002587333.3), dbSNP rs1669962346, ClinGen allele CA346760538.
Genomic context (GRCh38, chr2:47,805,653, plus strand): 5'-CATTTGTGATTTTTTTTTTTTTAAGGTGAAAGTACATTTTTTGTTGAATTAAGTGAAACT[G>T]CCAGCATACTCATGCATGCAACAGCACATTCTCTGGTGCTTGTGGATGAATTAGGTAAGA-3'
Protein context (NP_000170.1, residues 1188-1208): STFFVELSET[Ala1198Ser]SILMHATAHS